The following is an entry in ClinVar:

NM_001195129.2(PRSS56):c.760G>A (p.Asp254Asn)

Gene: PRSS56 (serine protease 56; plus strand). Cytogenetic location: 2q37.1.
Variant type: single nucleotide variant.
Coding change: c.760G>A on transcript NM_001195129.2 (MANE Select); coding-DNA position 760, G replaced by A.
Protein change: p.Asp254Asn; replaces aspartic acid 254 with asparagine.
Molecular consequence: missense variant.
Genome position (GRCh38, 1-based): chr2:232,523,113, G>A. VCF-style: chr2-232523113-G-A. GRCh37 (hg19) VCF-style: chr2-233387823-G-A.
Other names: c.760G>A (NM_001195129.1); c.760G>A, p.Asp254Asn (NM_001369848.1); short protein forms D254N.
Identifiers: ClinVar variation 2044135 (VCV002044135.5), dbSNP rs575712686, ClinGen allele CA2167739.
Genomic context (GRCh38, chr2:232,523,113, plus strand): 5'-CCTGCAGACGGGCCTGAGGCTGAAGCAGTGAGAGAGGCCCGTGTTCCCCTGCTCAGCACC[G>A]ACACCTGCCGAAGAGCCCTGGGGCCCGGGCTGCGCCCCAGCACCATGCTCTGCGCCGGGT-3'
Protein context (NP_001182058.1, residues 244-264): REARVPLLST[Asp254Asn]TCRRALGPGL

ClinVar aggregate classification (germline): Uncertain significance. Review status: criteria provided, multiple submitters, no conflicts (2 of 4 stars). 3 submissions from 3 submitters: Uncertain significance (3). Last evaluated 2025-02-02.

Conditions:
Inborn genetic diseases. Identifiers: MedGen C0950123, MeSH D030342.
Isolated microphthalmia 6. Also called: MICROPHTHALMIA, POSTERIOR NONSYNDROMIC. Identifiers: Orphanet 2542, MedGen C3150757, MONDO:0013293, OMIM 613517.

Allele frequency attached by ClinVar (database versions not stated): ExAC 0.00009; 1000 Genomes Project 30x 0.00031; TOPMed 0.00035.
gnomAD v4.1: 768 of 1,534,854 alleles (0.05%); highest among the groups gnomAD compares: Non-Finnish European, 0.06%; no homozygotes.

Submissions (3):

Ambry Genetics
Classification: Uncertain significance for Inborn genetic diseases. Last evaluated: 2025-02-02. Review status: criteria provided, single submitter. Criteria: Ambry Variant Classification Scheme 2023. Collection method: clinical testing. Allele origin: germline.

Blueprint Genetics
Classification: Uncertain significance. Last evaluated: 2024-10-28. Review status: criteria provided, single submitter. Criteria: ACMG Guidelines, 2015. Collection method: clinical testing. Allele origin: germline.

Labcorp Genetics (formerly Invitae), Labcorp
Classification: Uncertain significance for Isolated microphthalmia 6. Last evaluated: 2024-10-23. Review status: criteria provided, single submitter. Criteria: Invitae Variant Classification Sherloc (09022015). Collection method: clinical testing. Allele origin: germline.
Comment: This sequence change replaces aspartic acid, which is acidic and polar, with asparagine, which is neutral and polar, at codon 254 of the PRSS56 protein (p.Asp254Asn). This variant is present in population databases (rs575712686, gnomAD 0.09%), and has an allele count higher than expected for a pathogenic variant. This variant has not been reported in the literature in individuals affected with PRSS56-related conditions. ClinVar contains an entry for this variant (Variation ID: 2044135). An algorithm developed to predict the effect of missense changes on protein structure and function outputs the following: PolyPhen-2: "Not Available". The asparagine amino acid residue is found in multiple mammalian species, which suggests that this missense change does not adversely affect protein function. In summary, the available evidence is currently insufficient to determine the role of this variant in disease. Therefore, it has been classified as a Variant of Uncertain Significance.